The following is an entry in ClinVar:

NM_001142864.4(PIEZO1):c.7152C>T (p.Gly2384=)

Gene: PIEZO1 (piezo type mechanosensitive ion channel component 1 (Er blood group); minus strand). Cytogenetic location: 16q24.3.
Variant type: single nucleotide variant.
Coding change: c.7152C>T on transcript NM_001142864.4 (MANE Select); coding-DNA position 7152, C replaced by T.
Protein change: p.Gly2384=; no amino-acid change (glycine 2384 retained).
Molecular consequence: synonymous variant.
Genome position (GRCh38, 1-based): chr16:88,716,097, G>A on the plus strand (C>T on the coding strand, the complement: PIEZO1 is on the minus strand). VCF-style: chr16-88716097-G-A. GRCh37 (hg19) VCF-style: chr16-88782505-G-A.
Other names: p.Gly2384=.
Identifiers: ClinVar variation 777075 (VCV000777075.28), dbSNP rs78114078, ClinGen allele CA8231392.

ClinVar aggregate classification (germline): Benign/Likely benign. Review status: criteria provided, multiple submitters, no conflicts (2 of 4 stars). 5 submissions from 5 submitters: Benign (3); Likely benign (2). Last evaluated 2026-01-20.

Allele frequency attached by ClinVar (database versions not stated): gnomAD exomes 0.00112 and 0.00254; ExAC 0.00428; gnomAD 0.00887 and 0.00953; 1000 Genomes Project 0.00899; 1000 Genomes Project 30x 0.00953; TOPMed 0.00988; ESP Exome Variant Server 0.01183.
gnomAD v4.1: 3,047 of 1,547,950 alleles (0.2%); highest among the groups gnomAD compares: African/African-American, 3%; 45 homozygotes.

Submissions (6):

Labcorp Genetics (formerly Invitae), Labcorp
Classification: Benign. Last evaluated: 2026-01-20. Review status: criteria provided, single submitter. Criteria: Invitae Variant Classification Sherloc (09022015). Collection method: clinical testing. Allele origin: germline.

ARUP Laboratories, Molecular Genetics and Genomics, ARUP Laboratories
Classification: Benign. Last evaluated: 2025-05-02. Review status: criteria provided, single submitter. Criteria: ARUP Molecular Germline Variant Investigation Process 2024. Collection method: clinical testing. Allele origin: germline.

Mayo Clinic Laboratories, Mayo Clinic
Classification: Benign. Last evaluated: 2022-05-13. Review status: criteria provided, single submitter. Criteria: ACMG Guidelines, 2015. Collection method: clinical testing. Allele origin: germline. Observed: 33 variant alleles.
Comment: BS1, BS2

GeneDx
Classification: Likely benign. Last evaluated: 2019-02-04. Review status: criteria provided, single submitter. Criteria: GeneDx Variant Classification Process June 2021. Collection method: clinical testing. Allele origin: germline. Affected: yes.

Breakthrough Genomics
Classification: Likely benign. Review status: criteria provided, single submitter. Criteria: ACMG Guidelines, 2015. Collection method: not provided. Allele origin: germline. Inheritance: Autosomal recessive inheritance. Affected: yes.

Dr. Peter K. Rogan Lab, Western University
No classification provided (evidence only). Condition: Ovarian serous cystadenocarcinoma. Review status: no classification provided. Collection method: in vitro. Allele origin: not applicable. Functional consequence: retained intron. Not counted in ClinVar's aggregate classification.